The following is an entry in ClinVar:

NM_015047.3(EMC1):c.1632+2T>C

Genes: EMC1 (ER membrane protein complex subunit 1; minus strand), EMC1-AS1 (EMC1 antisense RNA 1; plus strand). Cytogenetic location: 1p36.13.
Variant type: single nucleotide variant.
Coding change: c.1632+2T>C on transcript NM_015047.3 (MANE Select); the canonical splice donor site of the intron after coding-DNA position 1632, T replaced by C.
Molecular consequence: splice donor variant.
Genome position (GRCh38, 1-based): chr1:19,232,934, A>G on the plus strand (T>C on the coding strand, the complement: EMC1 is on the minus strand). VCF-style: chr1-19232934-A-G. GRCh37 (hg19) VCF-style: chr1-19559428-A-G.
Other names: c.1566+2T>C (NM_001271429.2); c.1629+2T>C (NM_001271427.2, NM_001271428.2); c.1638+2T>C (NM_001375821.1); c.1641+2T>C (NM_001375820.1).
Identifiers: ClinVar variation 1701685 (VCV001701685.7), dbSNP rs760060777, ClinGen allele CA652543.

ClinVar aggregate classification (germline): Conflicting classifications of pathogenicity. Review status: criteria provided, conflicting classifications (1 of 4 stars). 4 submissions from 4 submitters: Likely pathogenic (3); Uncertain significance (1). Last evaluated 2025-09-10.

Conditions:
Cerebellar atrophy, visual impairment, and psychomotor retardation;. Also called: Cerebellar atrophy, visual impairment, and psychomotor retardation. Identifiers: MedGen C4225172, MONDO:0014811, OMIM 616875.
EMC1-related disorder. Also called: EMC1-related condition.

Allele frequency attached by ClinVar (database versions not stated): gnomAD exomes below 0.00001 and 0.00001; ExAC 0.00002; gnomAD 0.00004 and 0.00005; TOPMed 0.00005.
gnomAD v4.1: 10 of 1,613,766 alleles (0.00062%); highest among the groups gnomAD compares: African/African-American, 0.013%; no homozygotes.

Submissions (4):

Genomic Medicine Center of Excellence, King Faisal Specialist Hospital and Research Centre
Classification: Likely pathogenic for Cerebellar atrophy, visual impairment, and psychomotor retardation;. Last evaluated: 2025-09-10. Review status: criteria provided, single submitter. Criteria: ACMG Guidelines, 2015. Collection method: clinical testing. Allele origin: germline.

Labcorp Genetics (formerly Invitae), Labcorp
Classification: Likely pathogenic. Last evaluated: 2025-09-08. Review status: criteria provided, single submitter. Criteria: Invitae Variant Classification Sherloc (09022015). Collection method: clinical testing. Allele origin: germline.
Comment: This sequence change affects a donor splice site in intron 14 of the EMC1 gene. It is expected to disrupt RNA splicing. Variants that disrupt the donor or acceptor splice site typically lead to a loss of protein function (PMID: 16199547), and loss-of-function variants in EMC1 are known to be pathogenic (PMID: 26572623, 26942288, 29271071). This variant is present in population databases (rs760060777, gnomAD 0.01%). This variant has not been reported in the literature in individuals affected with EMC1-related conditions. ClinVar contains an entry for this variant (Variation ID: 1701685). Algorithms developed to predict the effect of sequence changes on RNA splicing suggest that this variant may disrupt the consensus splice site. In summary, the currently available evidence indicates that the variant is pathogenic, but additional data are needed to prove that conclusively. Therefore, this variant has been classified as Likely Pathogenic.

New York Genome Center
Classification: Uncertain significance for Cerebellar atrophy, visual impairment, and psychomotor retardation;. Last evaluated: 2021-10-01. Review status: criteria provided, single submitter. Criteria: NYGC Assertion Criteria 2020. Collection method: clinical testing. Allele origin: inherited. Observed: 1 heterozygote. Study: CSER-NYCKidSeq.

Blueprint Genetics
Classification: Likely pathogenic for EMC1-related disorders. Last evaluated: 2019-09-16. Review status: criteria provided, single submitter. Criteria: ACMG Guidelines, 2015. Collection method: clinical testing. Allele origin: germline. Affected: yes. Observed: 1 variant allele.

Literature cited by the submitters: PubMed 16199547 (cited by Labcorp Genetics (formerly Invitae), Labcorp); PubMed 26572623 (cited by Labcorp Genetics (formerly Invitae), Labcorp); PubMed 26942288 (cited by Labcorp Genetics (formerly Invitae), Labcorp); PubMed 29271071 (cited by Labcorp Genetics (formerly Invitae), Labcorp).